The following is an entry in ClinVar:

ClinVar aggregate classification (germline): Benign. Review status: criteria provided, multiple submitters, no conflicts (2 of 4 stars). 5 submissions from 5 submitters: Benign (4). 1 of the submissions does not count toward it. Last evaluated 2021-07-10.

Conditions:
Bilateral frontoparietal polymicrogyria. Also called: CORTICAL DYSPLASIA, COMPLEX, WITH OTHER BRAIN MALFORMATIONS 14A (BILATERAL FRONTOPARIETAL); CEREBELLAR ATAXIA WITH NEURONAL MIGRATION DEFECT. Identifiers: Orphanet 101070, MedGen C1847352, MONDO:0011738, OMIM 606854.

Allele frequency attached by ClinVar (database versions not stated): 1000 Genomes Project 0.08067; TOPMed 0.13305; 1000 Genomes Project 30x 0.07964; ESP Exome Variant Server 0.14180.

Submissions (5):

Genome-Nilou Lab
Classification: Benign for Bilateral frontoparietal polymicrogyria. Last evaluated: 2021-07-10. Review status: criteria provided, single submitter. Criteria: ACMG Guidelines, 2015. Collection method: clinical testing. Allele origin: germline. Affected: no.

GeneDx
Classification: Benign. Last evaluated: 2018-06-14. Review status: criteria provided, single submitter. Criteria: GeneDx Variant Classification (06012015). Collection method: clinical testing. Allele origin: germline. Affected: yes.
Comment: This variant is considered likely benign or benign based on one or more of the following criteria: it is a conservative change, it occurs at a poorly conserved position in the protein, it is predicted to be benign by multiple in silico algorithms, and/or has population frequency not consistent with disease.

Breakthrough Genomics
Classification: Benign. Review status: criteria provided, single submitter. Criteria: ACMG Guidelines, 2015. Collection method: not provided. Allele origin: germline. Inheritance: Autosomal recessive inheritance. Affected: yes.

PreventionGenetics, part of Exact Sciences
Classification: Benign. Review status: criteria provided, single submitter. Criteria: ACMG Guidelines, 2015. Collection method: clinical testing. Allele origin: germline.

Genetic Services Laboratory, University of Chicago
Classification: Likely benign. Review status: no assertion criteria provided. Collection method: clinical testing. Allele origin: germline. Inheritance: Autosomal recessive inheritance. Not counted in ClinVar's aggregate classification.
Comment: Likely benign based on allele frequency in 1000 Genomes Project or ESP global frequency and its presence in a patient with a rare or unrelated disease phenotype. NOT Sanger confirmed

NM_201525.4(ADGRG1):c.1665-41C>T

Gene: ADGRG1 (adhesion G protein-coupled receptor G1; plus strand). Cytogenetic location: 16q21.
Variant type: single nucleotide variant.
Coding change: c.1665-41C>T on transcript NM_201525.4 (MANE Select); 41 bases into the intron before coding-DNA position 1665, C replaced by T.
Molecular consequence: intron variant.
Genome position (GRCh38, 1-based): chr16:57,661,656, C>T. VCF-style: chr16-57661656-C-T. GRCh37 (hg19) VCF-style: chr16-57695568-C-T.
Other names: c.1665-41C>T (NM_001370440.1, NM_001370436.1, NM_001370438.1 and 7 more transcripts); c.1683-41C>T (NM_001370428.1, NM_001370430.1, NM_001370431.1 and 4 more transcripts); c.1173-41C>T (NM_001290142.2); c.1140-41C>T (NM_001370451.1, NM_001370453.1, NM_001370454.1 and 1 more transcripts); c.1158-41C>T (NM_001290143.2); c.1680-41C>T (NM_001370434.1, NM_001370433.1, NM_001145773.3); c.1509-41C>T (NM_001370442.1); c.1662-41C>T (NM_001370441.1).
Identifiers: ClinVar variation 158623 (VCV000158623.11), dbSNP rs17240890, ClinGen allele CA172254.
Genomic context (GRCh38, chr16:57,661,656, plus strand): 5'-CTGTAAACAGTGGATAATCCTGAAAACAAACATGACAACCACAGCCCAGGAAATGCTGCC[C>T]GTGCTGGCCACACGCTGAGCCCTCCTGCCTTTGCCCGCAGGTGCTGGATCCGGGACTCCC-3'